The following is an entry in ClinVar:

ClinVar aggregate classification (germline): Uncertain significance (1 of 4 stars; one submission).

Submission:

Labcorp Genetics (formerly Invitae), Labcorp
Classification: Uncertain significance. Last evaluated: 2024-11-06. Review status: criteria provided, single submitter. Criteria: Invitae Variant Classification Sherloc (09022015). Collection method: clinical testing. Allele origin: germline.
Comment: This sequence change replaces alanine, which is neutral and non-polar, with valine, which is neutral and non-polar, at codon 700 of the PPFIA3 protein (p.Ala700Val). This variant is not present in population databases (gnomAD no frequency). This variant has not been reported in the literature in individuals affected with PPFIA3-related conditions. An algorithm developed to predict the effect of missense changes on protein structure and function outputs the following: PolyPhen-2: "Benign". The valine amino acid residue is found in multiple mammalian species, which suggests that this missense change does not adversely affect protein function. In summary, the available evidence is currently insufficient to determine the role of this variant in disease. Therefore, it has been classified as a Variant of Uncertain Significance.

NM_003660.4(PPFIA3):c.2099C>T (p.Ala700Val)

Gene: PPFIA3 (PPFI scaffold protein A3; plus strand). Cytogenetic location: 19q13.33.
Variant type: single nucleotide variant.
Coding change: c.2099C>T on transcript NM_003660.4 (MANE Select); coding-DNA position 2099, C replaced by T.
Protein change: p.Ala700Val; replaces alanine 700 with valine.
Molecular consequence: missense variant. On other transcripts: non-coding transcript variant (1).
Genome position (GRCh38, 1-based): chr19:49,139,690, C>T. VCF-style: chr19-49139690-C-T. GRCh37 (hg19) VCF-style: chr19-49642947-C-T.
Other names: short protein forms A700V.
Identifiers: ClinVar variation 3651273 (VCV003651273.2).